The following is an entry in ClinVar:

ClinVar aggregate classification (germline): Conflicting classifications of pathogenicity. Review status: criteria provided, conflicting classifications (1 of 4 stars). 7 submissions from 7 submitters: Uncertain significance (6); Likely benign (1). Last evaluated 2024-09-20.

Conditions:
Inborn genetic diseases. Identifiers: MedGen C0950123, MeSH D030342.
Leukocyte adhesion deficiency type II. Also called: CONGENITAL DISORDER OF GLYCOSYLATION, TYPE IIc; CDG IIc; Congenital disorder of glycosylation type 2C; CDG 2C; Leukocyte adhesion deficiency type 2; Rambam Hasharon syndrome. Identifiers: Orphanet 2968, Orphanet 99843, MedGen C0398739, MONDO:0009953, OMIM 266265.

Allele frequency attached by ClinVar (database versions not stated): gnomAD 0.00004; gnomAD exomes 0.00005 and 0.00007; TOPMed 0.00006; ExAC 0.00007.
gnomAD v4.1: 91 of 1,613,986 alleles (0.0056%); highest among the groups gnomAD compares: Middle Eastern, 0.099%; no homozygotes.

Submissions (7):

3billion
Classification: Likely benign for Leukocyte adhesion deficiency type II. Last evaluated: 2024-09-20. Review status: criteria provided, single submitter. Criteria: ACMG Guidelines, 2015. Collection method: clinical testing. Allele origin: germline. Affected: no.
Comment: The homozygous variant was found in patients diagnosed with another variant in a different gene, with no symptoms related to the gene containing the homozygous variant.

Labcorp Genetics (formerly Invitae), Labcorp
Classification: Uncertain significance for Leukocyte adhesion deficiency type II. Last evaluated: 2022-10-25. Review status: criteria provided, single submitter. Criteria: Invitae Variant Classification Sherloc (09022015). Collection method: clinical testing. Allele origin: germline.
Comment: This sequence change replaces arginine, which is basic and polar, with lysine, which is basic and polar, at codon 10 of the SLC35C1 protein (p.Arg10Lys). This variant is present in population databases (rs567155861, gnomAD 0.01%). This variant has not been reported in the literature in individuals affected with SLC35C1-related conditions. ClinVar contains an entry for this variant (Variation ID: 304736). Algorithms developed to predict the effect of missense changes on protein structure and function (SIFT, PolyPhen-2, Align-GVGD) all suggest that this variant is likely to be tolerated. In summary, the available evidence is currently insufficient to determine the role of this variant in disease. Therefore, it has been classified as a Variant of Uncertain Significance.

Ambry Genetics
Classification: Uncertain significance for Inborn genetic diseases. Last evaluated: 2022-05-20. Review status: criteria provided, single submitter. Criteria: Ambry Variant Classification Scheme 2023. Collection method: clinical testing. Allele origin: germline.

Fulgent Genetics
Classification: Uncertain significance for Leukocyte adhesion deficiency type II. Last evaluated: 2021-09-03. Review status: criteria provided, single submitter. Criteria: ACMG Guidelines, 2015. Collection method: clinical testing. Allele origin: unknown.

Baylor Genetics
Classification: Uncertain significance for Leukocyte adhesion deficiency type II. Last evaluated: 2020-03-05. Review status: criteria provided, single submitter. Criteria: ACMG Guidelines, 2015. Collection method: clinical testing. Allele origin: unknown. Affected: yes.
Comment: This variant was determined to be of uncertain significance according to ACMG Guidelines, 2015 [PMID:25741868].

GeneDx
Classification: Uncertain significance. Last evaluated: 2018-05-29. Review status: criteria provided, single submitter. Criteria: GeneDx Variant Classification (06012015). Collection method: clinical testing. Allele origin: germline. Affected: yes.
Comment: The R10K variant has not been published as a pathogenic variant, nor has it been reported as a benign variant to our knowledge. The R10K variant is observed in 4/34,418 (0.01%) alleles from individuals of Latino background, in the ExAC dataset (Lek et al., 2016). The R10K variant is a conservative amino acid substitution, which is not likely to impact secondary protein structure as these residues share similar properties. In-silico analyses, including protein predictors and evolutionary conservation, support that this variant does not alter protein structure/function. In summary, based on the currently available information, it is unclear whether this variant is a pathogenic variant or a rare benign variant.

Illumina Laboratory Services, Illumina
Classification: Uncertain significance for Leukocyte adhesion deficiency type II. Last evaluated: 2018-01-13. Review status: criteria provided, single submitter. Criteria: ICSL Variant Classification Criteria 13 December 2019. Collection method: clinical testing. Allele origin: germline.

NM_018389.5(SLC35C1):c.29G>A (p.Arg10Lys)

Gene: SLC35C1 (solute carrier family 35 member C1; plus strand). Cytogenetic location: 11p11.2.
Variant type: single nucleotide variant.
Coding change: c.29G>A on transcript NM_018389.5 (MANE Select); coding-DNA position 29, G replaced by A.
Protein change: p.Arg10Lys; replaces arginine 10 with lysine.
Molecular consequence: missense variant. On other transcripts: 5 prime UTR variant (1).
Genome position (GRCh38, 1-based): chr11:45,805,830, G>A. VCF-style: chr11-45805830-G-A. GRCh37 (hg19) VCF-style: chr11-45827381-G-A.
Other names: c.-11G>A (NM_001145265.2, NM_001145266.2); short protein forms R10K.
Identifiers: ClinVar variation 304736 (VCV000304736.14), dbSNP rs567155861, ClinGen allele CA5958169.